The following is an entry in ClinVar:

NM_003921.5(BCL10):c.688G>A (p.Val230Ile)

Gene: BCL10 (BCL10 immune signaling adaptor; minus strand). Cytogenetic location: 1p22.3.
Variant type: single nucleotide variant.
Coding change: c.688G>A on transcript NM_003921.5 (MANE Select); coding-DNA position 688, G replaced by A.
Protein change: p.Val230Ile; replaces valine 230 with isoleucine.
Molecular consequence: missense variant.
Genome position (GRCh38, 1-based): chr1:85,267,641, C>T on the plus strand (G>A on the coding strand, the complement: BCL10 is on the minus strand). VCF-style: chr1-85267641-C-T. GRCh37 (hg19) VCF-style: chr1-85733324-C-T.
Other names: c.655G>A, p.Val219Ile (NM_001320715.2); short protein forms V230I, V219I.
Identifiers: ClinVar variation 3656853 (VCV003656853.2).
Genomic context (GRCh38, chr1:85,267,641, plus strand): 5'-TTAAAACATTTTTTGTCATCATTAAAAATTAAAAGGCAATAAAGTGTCATTGTCGTGAAA[C>T]AGTACGTGATCTTAAGGGAAGAAACATCTCACTAGAGTTTGCACAAGTTCCTTCTTCTTC-3'
Protein context (NP_003912.1, residues 220-233): EMFLPLRSRT[Val230Ile]SRQ

ClinVar aggregate classification (germline): Uncertain significance (1 of 4 stars; one submission).

Conditions:
Immunodeficiency 37 (IMD37). Identifiers: MedGen C4015195, MONDO:0014491, OMIM 616098.

Submission:

Labcorp Genetics (formerly Invitae), Labcorp
Classification: Uncertain significance for Immunodeficiency 37. Last evaluated: 2024-06-17. Review status: criteria provided, single submitter. Criteria: Invitae Variant Classification Sherloc (09022015). Collection method: clinical testing. Allele origin: germline.
Comment: This sequence change replaces valine, which is neutral and non-polar, with isoleucine, which is neutral and non-polar, at codon 230 of the BCL10 protein (p.Val230Ile). This variant is not present in population databases (gnomAD no frequency). This variant has not been reported in the literature in individuals affected with BCL10-related conditions. Algorithms developed to predict the effect of missense changes on protein structure and function output the following: SIFT: "Not Available"; PolyPhen-2: "Benign"; Align-GVGD: "Not Available". The isoleucine amino acid residue is found in multiple mammalian species, which suggests that this missense change does not adversely affect protein function. In summary, the available evidence is currently insufficient to determine the role of this variant in disease. Therefore, it has been classified as a Variant of Uncertain Significance.